The following is an entry in ClinVar:

ClinVar aggregate classification (germline): Uncertain significance. Review status: criteria provided, multiple submitters, no conflicts (2 of 4 stars). 2 submissions from 2 submitters: Uncertain significance (2). Last evaluated 2022-06-30.

Conditions:
Hereditary cancer-predisposing syndrome. Also called: Tumor predisposition; Neoplastic Syndromes, Hereditary; Hereditary Cancer Syndrome; Hereditary neoplastic syndrome. Identifiers: Orphanet 140162, MedGen C0027672, MeSH D009386, MONDO:0015356.

Submissions (2):

Ambry Genetics
Classification: Uncertain significance for Hereditary cancer-predisposing syndrome. Last evaluated: 2022-06-30. Review status: criteria provided, single submitter. Criteria: Ambry Variant Classification Scheme 2023. Collection method: clinical testing. Allele origin: germline.
Comment: The p.P173A variant (also known as c.517C>G), located in coding exon 5 of the SMARCB1 gene, results from a C to G substitution at nucleotide position 517. The proline at codon 173 is replaced by alanine, an amino acid with highly similar properties. This amino acid position is highly conserved in available vertebrate species. In addition, the in silico prediction for this alteration is inconclusive. Missense and in-frame variants in SMARCB1 are known to cause neurodevelopmental disorders; however, such associations with rhabdoid tumor predisposition syndrome are exceedingly rare (Kosho T et al. Am J Med Genet C Semin Med Genet. 2014 Sep;166C(3):262-75; Eaton KW et al. Pediatr Blood Cancer. 2011 Jan;56(1):7-15). Since supporting evidence is limited at this time, the clinical significance of this alteration remains unclear.

Labcorp Genetics (formerly Invitae), Labcorp
Classification: Uncertain significance. Last evaluated: 2022-06-09. Review status: criteria provided, single submitter. Criteria: Invitae Variant Classification Sherloc (09022015). Collection method: clinical testing. Allele origin: germline.
Comment: In summary, the available evidence is currently insufficient to determine the role of this variant in disease. Therefore, it has been classified as a Variant of Uncertain Significance. Algorithms developed to predict the effect of missense changes on protein structure and function (SIFT, PolyPhen-2, Align-GVGD) all suggest that this variant is likely to be tolerated. This variant has not been reported in the literature in individuals affected with SMARCB1-related conditions. This variant is not present in population databases (gnomAD no frequency). This sequence change replaces proline, which is neutral and non-polar, with alanine, which is neutral and non-polar, at codon 173 of the SMARCB1 protein (p.Pro173Ala).

NM_003073.5(SMARCB1):c.517C>G (p.Pro173Ala)

Gene: SMARCB1 (SWI/SNF related BAF chromatin remodeling complex subunit B1; plus strand). Cytogenetic location: 22q11.23.
Variant type: single nucleotide variant.
Coding change: c.517C>G on transcript NM_003073.5 (MANE Select); coding-DNA position 517, C replaced by G.
Protein change: p.Pro173Ala; replaces proline 173 with alanine.
Molecular consequence: missense variant.
Genome position (GRCh38, 1-based): chr22:23,803,311, C>G. VCF-style: chr22-23803311-C-G. GRCh37 (hg19) VCF-style: chr22-24145498-C-G.
Other names: c.490C>G, p.Pro164Ala (NM_001007468.3); c.544C>G, p.Pro182Ala (NM_001317946.2); c.571C>G, p.Pro191Ala (NM_001362877.2); short protein forms P164A, P173A, P182A, P191A.
Identifiers: ClinVar variation 1381594 (VCV001381594.8), dbSNP rs772788649, ClinGen allele CA410935488.